The following is an entry in ClinVar:

NM_004984.4(KIF5A):c.782C>T (p.Ala261Val)

Gene: KIF5A (kinesin family member 5A; plus strand). Cytogenetic location: 12q13.3.
Variant type: single nucleotide variant.
Coding change: c.782C>T on transcript NM_004984.4 (MANE Select); coding-DNA position 782, C replaced by T.
Protein change: p.Ala261Val; replaces alanine 261 with valine.
Molecular consequence: missense variant.
Genome position (GRCh38, 1-based): chr12:57,569,030, C>T. VCF-style: chr12-57569030-C-T. GRCh37 (hg19) VCF-style: chr12-57962813-C-T.
Other names: c.515C>T, p.Ala172Val (NM_001354705.2); short protein forms A172V, A261V.
Identifiers: ClinVar variation 1443339 (VCV001443339.6), dbSNP rs2140162600, ClinGen allele CA385500167.

ClinVar aggregate classification (germline): Uncertain significance (1 of 4 stars; one submission).

Conditions:
Spastic paraplegia. Identifiers: MedGen C0037772, HP:0001258.

Submission:

Labcorp Genetics (formerly Invitae), Labcorp
Classification: Uncertain significance for Spastic paraplegia. Last evaluated: 2022-01-14. Review status: criteria provided, single submitter. Criteria: Invitae Variant Classification Sherloc (09022015). Collection method: clinical testing. Allele origin: germline.
Comment: This sequence change replaces alanine, which is neutral and non-polar, with valine, which is neutral and non-polar, at codon 261 of the KIF5A protein (p.Ala261Val). This variant is not present in population databases (gnomAD no frequency). This variant has not been reported in the literature in individuals affected with KIF5A-related conditions. Advanced modeling of protein sequence and biophysical properties (such as structural, functional, and spatial information, amino acid conservation, physicochemical variation, residue mobility, and thermodynamic stability) performed at Invitae indicates that this missense variant is expected to disrupt KIF5A protein function. In summary, the available evidence is currently insufficient to determine the role of this variant in disease. Therefore, it has been classified as a Variant of Uncertain Significance.